The following is an entry in ClinVar:

ClinVar aggregate classification (germline): Uncertain significance (1 of 4 stars; one submission).

Conditions:
Inborn genetic diseases. Identifiers: MedGen C0950123, MeSH D030342.

gnomAD v4.1: 1 of 1,614,144 alleles (0.000062%); highest among the groups gnomAD compares: Non-Finnish European, 0.000085%; no homozygotes.

Submission:

Ambry Genetics
Classification: Uncertain significance for Inborn genetic diseases. Last evaluated: 2024-08-19. Review status: criteria provided, single submitter. Criteria: Ambry Variant Classification Scheme 2023. Collection method: clinical testing. Allele origin: germline.
Comment: The p.I313S variant (also known as c.938T>G), located in coding exon 4 of the ATR gene, results from a T to G substitution at nucleotide position 938. The isoleucine at codon 313 is replaced by serine, an amino acid with dissimilar properties. This amino acid position is conserved. In addition, the in silico prediction for this alteration is inconclusive. Based on the available evidence, the clinical significance of this variant remains unclear.

NM_001184.4(ATR):c.938T>G (p.Ile313Ser)

Gene: ATR (ATR serine/threonine kinase; minus strand). Cytogenetic location: 3q23.
Variant type: single nucleotide variant.
Coding change: c.938T>G on transcript NM_001184.4 (MANE Select); coding-DNA position 938, T replaced by G.
Protein change: p.Ile313Ser; replaces isoleucine 313 with serine.
Molecular consequence: missense variant.
Genome position (GRCh38, 1-based): chr3:142,562,464, A>C on the plus strand (T>G on the coding strand, the complement: ATR is on the minus strand). VCF-style: chr3-142562464-A-C. GRCh37 (hg19) VCF-style: chr3-142281306-A-C.
Other names: c.938T>G, p.Ile313Ser (NM_001354579.2); short protein forms I313S.
Identifiers: ClinVar variation 3462539 (VCV003462539.1).